The following is an entry in ClinVar:

NM_000218.3(KCNQ1):c.604G>C (p.Asp202His)

Gene: KCNQ1 (potassium voltage-gated channel subfamily Q member 1; plus strand). Cytogenetic location: 11p15.5.
Variant type: single nucleotide variant.
Coding change: c.604G>C on transcript NM_000218.3 (MANE Select); coding-DNA position 604, G replaced by C.
Protein change: p.Asp202His; replaces aspartic acid 202 with histidine.
Molecular consequence: missense variant.
Genome position (GRCh38, 1-based): chr11:2,570,754, G>C. VCF-style: chr11-2570754-G-C. GRCh37 (hg19) VCF-style: chr11-2591984-G-C.
Other names: c.604G>C (LRG_287t1); c.604G>C, p.Asp202His (NM_001406836.1); c.334G>C, p.Asp112His (NM_001406837.1); c.223G>C, p.Asp75His (NM_181798.2); short protein forms D202H, D75H, D112H.
Identifiers: ClinVar variation 67092 (VCV000067092.3), dbSNP rs199472702, ClinGen allele CA007727.

ClinVar aggregate classification (germline): not provided (0 of 4 stars; one submission).

Conditions:
Familial long QT syndrome (RWS). Also called: Congenital long QT syndrome; Romano-Ward syndrome; VENTRICULAR FIBRILLATION WITH PROLONGED QT INTERVAL. Identifiers: Orphanet 768, MedGen C1141890, MONDO:0019171.

Submission:

Cardiovascular Biomedical Research Unit, Royal Brompton & Harefield NHS Foundation Trust
No classification provided. Condition: Familial long QT syndrome. Review status: no classification provided. Collection method: literature only. Allele origin: germline.
Comment: This variant has been reported as associated with Long QT syndrome in the following publications (PMID:15176425;PMID:16414944;PMID:20421371). This is a literature report, and does not necessarily reflect the clinical interpretation of the Imperial College / Royal Brompton Cardiovascular Genetics laboratory.

Literature cited by the submitters: PubMed 15176425; PubMed 16414944; PubMed 20421371; PubMed 22581653.